The following is an entry in ClinVar:

NM_000168.6(GLI3):c.2388del (p.Leu797fs)

Gene: GLI3 (GLI family zinc finger 3; minus strand). Cytogenetic location: 7p14.1.
Variant type: Deletion.
Coding change: c.2388del on transcript NM_000168.6 (MANE Select); coding-DNA position 2388, one base deleted (T; older notation c.2388delT).
Protein change: p.Leu797fs; shifts the reading frame from leucine 797.
Molecular consequence: frameshift variant.
Genome position (GRCh38, 1-based): chr7:41,967,639, A deleted on the plus strand (T on the coding strand, the reverse complement: GLI3 is on the minus strand); the first of 2 consecutive A bases (chr7:41,967,639-41,967,640); deleting either gives the same sequence. VCF-style (leftmost placement, unchanged base first): chr7-41967638-GA-G. GRCh37 (hg19) VCF-style: chr7-42007236-GA-G.
Other names: short protein forms L797fs.
Identifiers: ClinVar variation 4529660 (VCV004529660.1).

ClinVar aggregate classification (germline): Pathogenic (1 of 4 stars; one submission).

Submission:

GeneDx
Classification: Pathogenic. Last evaluated: 2025-05-15. Review status: criteria provided, single submitter. Criteria: GeneDx Variant Classification Process June 2021. Collection method: clinical testing. Allele origin: germline. Affected: yes.
Comment: Identified in patients with clinical features consistent with GLI3-related Pallister-Hall syndrome referred for genetic testing at GeneDx and in published literature (PMID: 31011455); Frameshift variant predicted to result in protein truncation in a gene for which loss of function is a known mechanism of disease; Not observed at significant frequency in large population cohorts (gnomAD); This variant is associated with the following publications: (PMID: 31011455)